The following is an entry in ClinVar:

ClinVar aggregate classification (germline): Uncertain significance. Review status: criteria provided, multiple submitters, no conflicts (2 of 4 stars). 2 submissions from 2 submitters: Uncertain significance (2). Last evaluated 2024-05-01.

Submissions (2):

CeGaT Center for Human Genetics Tuebingen
Classification: Uncertain significance. Last evaluated: 2024-05-01. Review status: criteria provided, single submitter. Criteria: CeGaT Center For Human Genetics Tuebingen Variant Classification Criteria Version 2. Collection method: clinical testing. Allele origin: germline. Affected: yes. Observed: 1 variant allele.
Comment: STAG1: PM2

GeneDx
Classification: Uncertain significance. Last evaluated: 2023-01-24. Review status: criteria provided, single submitter. Criteria: GeneDx Variant Classification Process June 2021. Collection method: clinical testing. Allele origin: germline. Affected: yes.
Comment: Not observed at significant frequency in large population cohorts (gnomAD); In silico analysis supports that this missense variant does not alter protein structure/function; Has not been previously published as pathogenic or benign to our knowledge

NM_005862.3(STAG1):c.1244A>G (p.Asn415Ser)

Gene: STAG1 (STAG1 cohesin complex component; minus strand). Cytogenetic location: 3q22.3.
Variant type: single nucleotide variant.
Coding change: c.1244A>G on transcript NM_005862.3 (MANE Select); coding-DNA position 1244, A replaced by G.
Protein change: p.Asn415Ser; replaces asparagine 415 with serine.
Molecular consequence: missense variant.
Genome position (GRCh38, 1-based): chr3:136,464,950, T>C on the plus strand (A>G on the coding strand, the complement: STAG1 is on the minus strand). VCF-style: chr3-136464950-T-C. GRCh37 (hg19) VCF-style: chr3-136183792-T-C.
Other names: short protein forms N415S.
Identifiers: ClinVar variation 2573897 (VCV002573897.20), dbSNP rs2530623534, ClinGen allele CA354650834.
Genomic context (GRCh38, chr3:136,464,950, plus strand): 5'-AGGAACTCTCCAGCTGCCACAGCAACAGGGCGATGTGCCGAGTACACCAAGTGGTAAACA[T>C]TTTCACAGTCTTCATTGGAAAGAGCTTCTTCACTTCCACTGAAAAATACAGAAAGTAACA-3'
Protein context (NP_005853.2, residues 405-425): EEALSNEDCE[Asn415Ser]VYHLVYSAHR